The following is an entry in ClinVar:

ClinVar aggregate classification (germline): Likely benign. Review status: criteria provided, multiple submitters, no conflicts (2 of 4 stars). 3 submissions from 3 submitters: Likely benign (2). 1 of the submissions does not count toward it. Last evaluated 2025-12-10.

Conditions:
DNAH11-related disorder. Also called: DNAH11-related condition.
Primary ciliary dyskinesia. Also called: Ciliary dyskinesia. Identifiers: Orphanet 244, MedGen C0008780, MONDO:0016575, HP:0012265.

Allele frequency attached by ClinVar (database versions not stated): gnomAD exomes 0.00002 and 0.00006; ExAC 0.00009; ESP Exome Variant Server 0.00033; TOPMed 0.00034; gnomAD 0.00035 and 0.00039; 1000 Genomes Project 0.00060; 1000 Genomes Project 30x 0.00078.
gnomAD v4.1: 79 of 1,612,414 alleles (0.0049%); highest among the groups gnomAD compares: African/African-American, 0.099%; no homozygotes.

Submissions (3):

Labcorp Genetics (formerly Invitae), Labcorp
Classification: Likely benign for Primary ciliary dyskinesia. Last evaluated: 2025-12-10. Review status: criteria provided, single submitter. Criteria: Invitae Variant Classification Sherloc (09022015). Collection method: clinical testing. Allele origin: germline.

Blueprint Genetics
Classification: Likely benign. Last evaluated: 2024-09-09. Review status: criteria provided, single submitter. Criteria: ACMG Guidelines, 2015. Collection method: clinical testing. Allele origin: germline.

PreventionGenetics, part of Exact Sciences
Classification: Likely benign for DNAH11-related condition. Last evaluated: 2019-08-14. Review status: no assertion criteria provided. Collection method: clinical testing. Allele origin: germline. Not counted in ClinVar's aggregate classification.
Comment: This variant is classified as likely benign based on ACMG/AMP sequence variant interpretation guidelines (Richards et al. 2015 PMID: 25741868, with internal and published modifications).

NM_001277115.2(DNAH11):c.1973+8G>C

Gene: DNAH11 (dynein axonemal heavy chain 11; plus strand). Cytogenetic location: 7p15.3.
Variant type: single nucleotide variant.
Coding change: c.1973+8G>C on transcript NM_001277115.2 (MANE Select); 8 bases into the intron after coding-DNA position 1973, G replaced by C.
Molecular consequence: intron variant.
Genome position (GRCh38, 1-based): chr7:21,588,644, G>C. VCF-style: chr7-21588644-G-C. GRCh37 (hg19) VCF-style: chr7-21628262-G-C.
Identifiers: ClinVar variation 416417 (VCV000416417.13), dbSNP rs374509704, ClinGen allele CA4179168.